The following is an entry in ClinVar:

NM_024596.5(MCPH1):c.1930A>G (p.Lys644Glu)

Gene: MCPH1 (microcephalin 1; plus strand). Cytogenetic location: 8p23.1.
Variant type: single nucleotide variant.
Coding change: c.1930A>G on transcript NM_024596.5 (MANE Select); coding-DNA position 1930, A replaced by G.
Protein change: p.Lys644Glu; replaces lysine 644 with glutamic acid.
Molecular consequence: missense variant.
Genome position (GRCh38, 1-based): chr8:6,455,247, A>G. VCF-style: chr8-6455247-A-G. GRCh37 (hg19) VCF-style: chr8-6312768-A-G.
Other names: c.1930A>G, p.Lys644Glu (NM_001322042.2, NM_001363979.1, NM_001363980.2); short protein forms K644E.
Identifiers: ClinVar variation 199171 (VCV000199171.11), dbSNP rs201848494, ClinGen allele CA248230.

ClinVar aggregate classification (germline): Uncertain significance. Review status: criteria provided, multiple submitters, no conflicts (2 of 4 stars). 4 submissions from 4 submitters: Uncertain significance (4). Last evaluated 2023-07-31.

Conditions:
Inborn genetic diseases. Identifiers: MedGen C0950123, MeSH D030342.

Allele frequency attached by ClinVar (database versions not stated): gnomAD 0.00007; TOPMed 0.00008; ESP Exome Variant Server 0.00017; 1000 Genomes Project 0.00020; 1000 Genomes Project 30x 0.00031.
gnomAD v4.1: 145 of 1,605,544 alleles (0.009%); highest among the groups gnomAD compares: Middle Eastern, 0.017%; no homozygotes.

Submissions (4):

Ambry Genetics
Classification: Uncertain significance for Inborn genetic diseases. Last evaluated: 2023-07-31. Review status: criteria provided, single submitter. Criteria: Ambry Variant Classification Scheme 2023. Collection method: clinical testing. Allele origin: germline.

Labcorp Genetics (formerly Invitae), Labcorp
Classification: Uncertain significance. Last evaluated: 2022-10-17. Review status: criteria provided, single submitter. Criteria: Invitae Variant Classification Sherloc (09022015). Collection method: clinical testing. Allele origin: germline.
Comment: This sequence change replaces lysine, which is basic and polar, with glutamic acid, which is acidic and polar, at codon 644 of the MCPH1 protein (p.Lys644Glu). This variant is present in population databases (rs201848494, gnomAD 0.02%). This variant has not been reported in the literature in individuals affected with MCPH1-related conditions. ClinVar contains an entry for this variant (Variation ID: 199171). Advanced modeling of protein sequence and biophysical properties (such as structural, functional, and spatial information, amino acid conservation, physicochemical variation, residue mobility, and thermodynamic stability) performed at Invitae indicates that this missense variant is not expected to disrupt MCPH1 protein function. In summary, the available evidence is currently insufficient to determine the role of this variant in disease. Therefore, it has been classified as a Variant of Uncertain Significance.

GeneDx
Classification: Uncertain significance. Last evaluated: 2015-11-05. Review status: criteria provided, single submitter. Criteria: GeneDx Variant Classification (06012015). Collection method: clinical testing. Allele origin: germline. Affected: yes.
Comment: p.Lys644Glu (K644E) (AAA>GAA): c.1930 A>G in exon 9 of the MCPH1 gene (NM_024596.3) A variant of uncertain significance has been identified in the MCPH1 gene. The K644E variant has not been published as a pathogenic variant, nor has it been reported as a benign variant to our knowledge. It was not observed with any significant frequency in approximately 5,900 individuals of European and African American ancestry in the NHLBI Exome Sequencing Project or in the 1000 Genomes Project. The K644E variant is a non-conservative amino acid substitution, which is likely to impact secondary protein structure as these residues differ in polarity, charge, size, and/or other properties. However, this substitution occurs at a position that is not conserved, and in silico analysis predicts this variant likely does not alter the protein structure/function. Therefore, based on the currently available information, it is unclear whether this variant is a pathogenic variant or a rare benign variant.

Eurofins Ntd Llc (ga)
Classification: Uncertain significance. Last evaluated: 2014-08-22. Review status: criteria provided, single submitter. Criteria: EGL Classification Definitions 2015. Collection method: clinical testing. Allele origin: germline. Observed: 1 variant allele, 1 heterozygote.